The following is an entry in ClinVar:

NM_001256789.3(CACNA1F):c.4015G>A (p.Gly1339Ser)

Gene: CACNA1F (calcium voltage-gated channel subunit alpha1 F; minus strand). Cytogenetic location: Xp11.23.
Variant type: single nucleotide variant.
Coding change: c.4015G>A on transcript NM_001256789.3 (MANE Select); coding-DNA position 4015, G replaced by A.
Protein change: p.Gly1339Ser; replaces glycine 1339 with serine.
Molecular consequence: missense variant.
Genome position (GRCh38, 1-based): chrX:49,211,983, C>T on the plus strand (G>A on the coding strand, the complement: CACNA1F is on the minus strand). VCF-style: chrX-49211983-C-T. GRCh37 (hg19) VCF-style: chrX-49068443-C-T.
Other names: c.3853G>A, p.Gly1285Ser (NM_001256790.3); c.4048G>A, p.Gly1350Ser (NM_005183.4); short protein forms G1285S, G1350S, G1339S.
Identifiers: ClinVar variation 2177333 (VCV002177333.5), dbSNP rs782780521, ClinGen allele CA10410281.
Genomic context (GRCh38, chrX:49,211,983, plus strand): 5'-GAAAGGTCTGGAAGTTGTTGTTTCGGTTTATCTGTGTGCCATCCTGAAGAGCCACCTTGC[C>T]GAACATCTGTGGACACATCAAGGCTGTGTCAGTGGGGTGAACCCATGCCCCACCCATTTC-3'
Protein context (NP_001243718.1, residues 1329-1349): IYAVIGMQMF[Gly1339Ser]KVALQDGTQI

ClinVar aggregate classification (germline): Conflicting classifications of pathogenicity. Review status: criteria provided, conflicting classifications (1 of 4 stars). 2 submissions from 2 submitters: Uncertain significance (1); Likely benign (1). Last evaluated 2022-05-16.

Allele frequency attached by ClinVar (database versions not stated): ExAC 0.00002; gnomAD exomes 0.00002; gnomAD 0.00003; TOPMed 0.00003.
gnomAD v4.1: 26 of 1,205,971 alleles (0.0022%); highest among the groups gnomAD compares: East Asian, 0.0089%; no homozygotes.

Submissions (2):

Labcorp Genetics (formerly Invitae), Labcorp
Classification: Uncertain significance. Last evaluated: 2022-05-16. Review status: criteria provided, single submitter. Criteria: Invitae Variant Classification Sherloc (09022015). Collection method: clinical testing. Allele origin: germline.
Comment: In summary, the available evidence is currently insufficient to determine the role of this variant in disease. Therefore, it has been classified as a Variant of Uncertain Significance. Algorithms developed to predict the effect of missense changes on protein structure and function (SIFT, PolyPhen-2, Align-GVGD) all suggest that this variant is likely to be disruptive. This variant has not been reported in the literature in individuals affected with CACNA1F-related conditions. This variant is present in population databases (rs782780521, gnomAD 0.03%). This sequence change replaces glycine, which is neutral and non-polar, with serine, which is neutral and polar, at codon 1350 of the CACNA1F protein (p.Gly1350Ser).

Blueprint Genetics
Classification: Likely benign. Last evaluated: 2020-02-03. Review status: criteria provided, single submitter. Criteria: ACMG Guidelines, 2015. Collection method: clinical testing. Allele origin: germline.